The following is an entry in ClinVar:

NM_194292.3(SASS6):c.735A>G (p.Gln245=)

Gene: SASS6 (SAS-6 centriolar assembly protein; minus strand). Cytogenetic location: 1p21.2.
Variant type: single nucleotide variant.
Coding change: c.735A>G on transcript NM_194292.3 (MANE Select); coding-DNA position 735, A replaced by G.
Protein change: p.Gln245=; no amino-acid change (glutamine 245 retained).
Molecular consequence: synonymous variant.
Genome position (GRCh38, 1-based): chr1:100,110,418, T>C on the plus strand (A>G on the coding strand, the complement: SASS6 is on the minus strand). VCF-style: chr1-100110418-T-C. GRCh37 (hg19) VCF-style: chr1-100575974-T-C.
Other names: c.234A>G, p.Gln78= (NM_001304829.2).
Identifiers: ClinVar variation 781776 (VCV000781776.34), dbSNP rs150364529, ClinGen allele CA968435.

ClinVar aggregate classification (germline): Benign. Review status: criteria provided, multiple submitters, no conflicts (2 of 4 stars). 6 submissions from 6 submitters: Benign (6). Last evaluated 2026-09-01.

Conditions:
Microcephaly 14, primary, autosomal recessive. Identifiers: Orphanet 2512, MedGen C4225338, MONDO:0014623, OMIM 616402.
SASS6-related disorder. Also called: SASS6-related condition.

Allele frequency attached by ClinVar (database versions not stated): 1000 Genomes Project 0.00339; 1000 Genomes Project 30x 0.00390; TOPMed 0.00736; ESP Exome Variant Server 0.00738; gnomAD 0.00838 and 0.00856; gnomAD exomes 0.00845 and 0.00951; ExAC 0.00953.
gnomAD v4.1: 15,092 of 1,611,760 alleles (0.94%); highest among the groups gnomAD compares: Non-Finnish European, 1.1%; 90 homozygotes.

Submissions (6):

CeGaT Center for Human Genetics Tuebingen
Classification: Benign. Last evaluated: 2026-09-01. Review status: criteria provided, single submitter. Criteria: CeGaT Center For Human Genetics Tuebingen Variant Classification Criteria Version 2. Collection method: clinical testing. Allele origin: germline. Affected: yes. Observed: 31 variant alleles.
Comment: SASS6: BP4, BP7, BS1, BS2

PreventionGenetics, part of Exact Sciences
Classification: Benign for SASS6-related condition. Last evaluated: 2025-11-19. Review status: criteria provided, single submitter. Criteria: ACMG Guidelines, 2015. Collection method: clinical testing. Allele origin: germline.
Comment: This variant is classified as benign based on ACMG/AMP sequence variant interpretation guidelines (Richards et al. 2015 PMID: 25741868, with internal and published modifications).

Genome-Nilou Lab
Classification: Benign for Microcephaly 14, primary, autosomal recessive. Last evaluated: 2023-04-11. Review status: criteria provided, single submitter. Criteria: ACMG Guidelines, 2015. Collection method: clinical testing. Allele origin: germline. Affected: no.

Labcorp Genetics (formerly Invitae), Labcorp
Classification: Benign. Last evaluated: 2019-12-31. Review status: criteria provided, single submitter. Criteria: Invitae Variant Classification Sherloc (09022015). Collection method: clinical testing. Allele origin: germline.

Genetic Services Laboratory, University of Chicago
Classification: Benign. Last evaluated: 2017-12-06. Review status: criteria provided, single submitter. Criteria: ACMG Guidelines, 2015. Collection method: clinical testing. Allele origin: germline. Affected: no.

Breakthrough Genomics
Classification: Benign. Review status: criteria provided, single submitter. Criteria: ACMG Guidelines, 2015. Collection method: not provided. Allele origin: germline. Inheritance: Autosomal recessive inheritance. Affected: yes.